The following is an entry in ClinVar:

ClinVar aggregate classification (germline): Likely benign. Review status: criteria provided, multiple submitters, no conflicts (2 of 4 stars). 7 submissions from 7 submitters: Likely benign (4). 3 of the submissions do not count toward it. Last evaluated 2025-12-10.

Conditions:
JAG1-related disorder. Also called: JAG1-related disorders; JAG1-related condition.
Alagille syndrome due to a JAG1 point mutation. Also called: Alagille Syndrome 1; HEPATIC DUCTULAR HYPOPLASIA, SYNDROMATIC; JAG1-Related Alagille Syndrome. Identifiers: Orphanet 261619, Orphanet 52, MedGen C1956125, MONDO:0016862, OMIM 118450.
Deafness, congenital heart defects, and posterior embryotoxon (DCHE). Identifiers: MedGen C1866053, MONDO:0060713, OMIM 617992.
Charcot-Marie-Tooth disease, axonal, Type 2HH. Also called: CHARCOT-MARIE-TOOTH NEUROPATHY, TYPE 2HH. Identifiers: MedGen C5562003, MONDO:0030458, OMIM 619574.
Tetralogy of Fallot (TOF). Identifiers: Orphanet 3303, MedGen C0039685, MONDO:0008542, OMIM 187500, HP:0001636.
Cardiovascular phenotype. Identifiers: MedGen CN230736.

Allele frequency attached by ClinVar (database versions not stated): gnomAD 0.00009 and 0.00010; ESP Exome Variant Server 0.00015.
gnomAD v4.1: 134 of 1,614,034 alleles (0.0083%); highest among the groups gnomAD compares: East Asian, 0.013%; no homozygotes.

Submissions (7):

Labcorp Genetics (formerly Invitae), Labcorp
Classification: Likely benign for Alagille syndrome due to a JAG1 point mutation. Last evaluated: 2025-12-10. Review status: criteria provided, single submitter. Criteria: Invitae Variant Classification Sherloc (09022015). Collection method: clinical testing. Allele origin: germline.

Blueprint Genetics
Classification: Likely benign. Last evaluated: 2024-09-25. Review status: criteria provided, single submitter. Criteria: ACMG Guidelines, 2015. Collection method: clinical testing. Allele origin: germline.

Fulgent Genetics
Classification: Likely benign for Alagille syndrome due to a JAG1 point mutation; Tetralogy of Fallot; Deafness, congenital heart defects, and posterior embryotoxon; Charcot-Marie-Tooth disease, axonal, Type 2HH. Last evaluated: 2022-04-08. Review status: criteria provided, single submitter. Criteria: ACMG Guidelines, 2015. Collection method: clinical testing. Allele origin: unknown.

Ambry Genetics
Classification: Likely benign for Cardiovascular phenotype. Last evaluated: 2018-09-17. Review status: criteria provided, single submitter. Criteria: Ambry Variant Classification Scheme 2023. Collection method: clinical testing. Allele origin: germline.

PreventionGenetics, part of Exact Sciences
Classification: Likely benign for JAG1-related condition. Last evaluated: 2019-03-08. Review status: no assertion criteria provided. Collection method: clinical testing. Allele origin: germline. Not counted in ClinVar's aggregate classification.
Comment: This variant is classified as likely benign based on ACMG/AMP sequence variant interpretation guidelines (Richards et al. 2015 PMID: 25741868, with internal and published modifications).

Clinical Genetics, Academic Medical Center
Classification: Benign. Review status: no assertion criteria provided. Collection method: clinical testing. Allele origin: germline. Affected: yes. Study: VKGL Data-share Consensus. Not counted in ClinVar's aggregate classification.

Genome Diagnostics Laboratory, University Medical Center Utrecht
Classification: Likely benign. Review status: no assertion criteria provided. Collection method: clinical testing. Allele origin: germline. Affected: yes. Study: VKGL Data-share Consensus. Not counted in ClinVar's aggregate classification.

NM_000214.3(JAG1):c.1608C>T (p.Asn536=)

Gene: JAG1 (jagged canonical Notch ligand 1; minus strand). Cytogenetic location: 20p12.2.
Variant type: single nucleotide variant.
Coding change: c.1608C>T on transcript NM_000214.3 (MANE Select); coding-DNA position 1608, C replaced by T.
Protein change: p.Asn536=; no amino-acid change (asparagine 536 retained).
Molecular consequence: synonymous variant.
Genome position (GRCh38, 1-based): chr20:10,648,072, G>A on the plus strand (C>T on the coding strand, the complement: JAG1 is on the minus strand). VCF-style: chr20-10648072-G-A. GRCh37 (hg19) VCF-style: chr20-10628720-G-A.
Identifiers: ClinVar variation 1133398 (VCV001133398.17), dbSNP rs200648453, ClinGen allele CA9764803.